The following is an entry in ClinVar:

NM_021620.4(PRDM13):c.781A>G (p.Met261Val)

Gene: PRDM13 (PR/SET domain 13; plus strand). Cytogenetic location: 6q16.2.
Variant type: single nucleotide variant.
Coding change: c.781A>G on transcript NM_021620.4 (MANE Select); coding-DNA position 781, A replaced by G.
Protein change: p.Met261Val; replaces methionine 261 with valine.
Molecular consequence: missense variant.
Genome position (GRCh38, 1-based): chr6:99,613,416, A>G. VCF-style: chr6-99613416-A-G. GRCh37 (hg19) VCF-style: chr6-100061292-A-G.
Other names: short protein forms M261V.
Identifiers: ClinVar variation 961063 (VCV000961063.9), dbSNP rs1770066128, ClinGen allele CA365116272.

ClinVar aggregate classification (germline): Uncertain significance (1 of 4 stars; one submission).

Allele frequency attached by ClinVar (database versions not stated): gnomAD exomes below 0.00001.

Submission:

Labcorp Genetics (formerly Invitae), Labcorp
Classification: Uncertain significance. Last evaluated: 2019-11-13. Review status: criteria provided, single submitter. Criteria: Invitae Variant Classification Sherloc (09022015). Collection method: clinical testing. Allele origin: germline.
Comment: Algorithms developed to predict the effect of missense changes on protein structure and function output the following: SIFT: "Tolerated"; PolyPhen-2: "Benign"; Align-GVGD: "Class C0". The valine amino acid residue is found in multiple mammalian species, suggesting that this missense change does not adversely affect protein function. These predictions have not been confirmed by published functional studies and their clinical significance is uncertain. This variant has not been reported in the literature in individuals with PRDM13-related conditions. The frequency data for this variant in the population databases is considered unreliable, as metrics indicate insufficient coverage at this position in the ExAC database. This sequence change replaces methionine with valine at codon 261 of the PRDM13 protein (p.Met261Val). The methionine residue is moderately conserved and there is a small physicochemical difference between methionine and valine. Algorithms developed to predict the effect of sequence changes on RNA splicing suggest that this variant may create or strengthen a splice site, but this prediction has not been confirmed by published transcriptional studies. In summary, the available evidence is currently insufficient to determine the role of this variant in disease. Therefore, it has been classified as a Variant of Uncertain Significance.